The following continues an entry in ClinVar:

NM_014625.4(NPHS2):c.851C>T (p.Ala284Val)

ClinVar aggregate classification (germline): Pathogenic/Likely pathogenic. Pathogenic (11); Likely pathogenic (3).

Submissions 12 to 15 of 15:

Athena Diagnostics
Classification: Pathogenic. Last evaluated: 2021-03-11. Review status: criteria provided, single submitter. Criteria: Athena Diagnostics criteria. Collection method: clinical testing. Allele origin: unknown.
Comment: The frequency of this variant in the general population is consistent with pathogenicity. This variant has been identified in at least one individual with clinical features associated with this gene. In multiple individuals, this variant has been seen with a single recessive pathogenic variant in the same gene, suggesting this variant may also be pathogenic. The variant is located in a region that is considered important for protein function and/or structure.

Breda Genetics srl
Classification: Pathogenic for Nephrotic syndrome, type 2. Last evaluated: 2020-11-24. Review status: criteria provided, single submitter. Criteria: ACMG Guidelines, 2015. Collection method: clinical testing. Allele origin: germline. Affected: yes. Observed: 1 variant allele.

Molecular Diagnostics Lab, Nemours Children's Health, Delaware
Classification: Pathogenic for Nephrotic syndrome, type 2. Last evaluated: 2019-06-03. Review status: criteria provided, single submitter. Criteria: ACMG Guidelines, 2015. Collection method: clinical testing. Allele origin: unknown. Inheritance: Autosomal recessive inheritance. Affected: yes. Observed: 1 compound heterozygote.
Comment: This missense varaint (c.851C>T, p.Ala284Val) has not been observed in population databases (gnomAD) but has been reported in the literature (PMID 20947785, 26455708, others). Variant prediction programs suggest a deleterious effect, although no functional studies have been reported.

Gharavi Laboratory, Columbia University
Classification: Pathogenic. Last evaluated: 2018-09-16. Review status: no assertion criteria provided. Criteria: ACMG Guidelines, 2015. Collection method: research. Allele origin: germline. Affected: yes. Not counted in ClinVar's aggregate classification.

Literature cited by the submitters: PubMed 11805166 (cited by 5 submitters); PubMed 16354237 (cited by 3 submitters); PubMed 18823551 (cited by 3 submitters); PubMed 23349334 (cited by 3 submitters); PubMed 23515051 (cited by Labcorp Genetics (formerly Invitae), Labcorp and Dasa); PubMed 29982877 (cited by 4 submitters); PubMed 24509478 (cited by 4 submitters); PubMed 24227627 (cited by Women's Health and Genetics/Laboratory Corporation of America, LabCorp); PubMed 19145239 (cited by Women's Health and Genetics/Laboratory Corporation of America, LabCorp and Athena Diagnostics); PubMed 12464671 (cited by Women's Health and Genetics/Laboratory Corporation of America, LabCorp and Athena Diagnostics); PubMed 21415313 (cited by Women's Health and Genetics/Laboratory Corporation of America, LabCorp); PubMed 32604935 (cited by Women's Health and Genetics/Laboratory Corporation of America, LabCorp); PubMed 26534921 (cited by Natera, Inc.); PubMed 26420286 (cited by Natera, Inc. and Athena Diagnostics); PubMed 20947785 (cited by 3 submitters); PubMed 14978175 (cited by Athena Diagnostics); PubMed 26211502 (cited by Athena Diagnostics); PubMed 15253708 (cited by Athena Diagnostics); PubMed 15769810 (cited by Athena Diagnostics); PubMed 16898497 (cited by Athena Diagnostics); PubMed 19876656 (cited by Athena Diagnostics); PubMed 21355056 (cited by Athena Diagnostics); PubMed 26455708 (cited by Molecular Diagnostics Lab, Nemours Children's Health, Delaware).